The following is an entry in ClinVar:

NM_001261826.3(AP3D1):c.2827A>G (p.Lys943Glu)

Gene: AP3D1 (adaptor related protein complex 3 subunit delta 1; minus strand). Cytogenetic location: 19p13.3.
Variant type: single nucleotide variant.
Coding change: c.2827A>G on transcript NM_001261826.3 (MANE Select); coding-DNA position 2827, A replaced by G.
Protein change: p.Lys943Glu; replaces lysine 943 with glutamic acid.
Molecular consequence: missense variant.
Genome position (GRCh38, 1-based): chr19:2,111,789, T>C on the plus strand (A>G on the coding strand, the complement: AP3D1 is on the minus strand). VCF-style: chr19-2111789-T-C. GRCh37 (hg19) VCF-style: chr19-2111788-T-C.
Other names: c.2641A>G (NM_003938.5); c.2791A>G, p.Lys931Glu (NM_001374799.1); c.2641A>G, p.Lys881Glu (NM_003938.8); c.2827A>G (NM_001261826.1); short protein forms K931E, K943E, K881E.
Identifiers: ClinVar variation 1412196 (VCV001412196.7), dbSNP rs376574497, ClinGen allele CA9058702.

ClinVar aggregate classification (germline): Uncertain significance. Review status: criteria provided, multiple submitters, no conflicts (2 of 4 stars). 3 submissions from 3 submitters: Uncertain significance (3). Last evaluated 2026-01-19.

Conditions:
AP3D1-related disorder. Also called: AP3D1-related condition.
Inborn genetic diseases. Identifiers: MedGen C0950123, MeSH D030342.

Allele frequency attached by ClinVar (database versions not stated): gnomAD exomes 0.00003 and 0.00005; TOPMed 0.00006; ExAC 0.00008; gnomAD 0.00008; 1000 Genomes Project 30x 0.00016; ESP Exome Variant Server 0.00016; 1000 Genomes Project 0.00020.
gnomAD v4.1: 53 of 1,613,910 alleles (0.0033%); highest among the groups gnomAD compares: South Asian, 0.016%; no homozygotes.

Submissions (3):

Labcorp Genetics (formerly Invitae), Labcorp
Classification: Uncertain significance. Last evaluated: 2026-01-19. Review status: criteria provided, single submitter. Criteria: Invitae Variant Classification Sherloc (09022015). Collection method: clinical testing. Allele origin: germline.
Comment: This sequence change replaces lysine, which is basic and polar, with glutamic acid, which is acidic and polar, at codon 943 of the AP3D1 protein (p.Lys943Glu). This variant is present in population databases (rs376574497, gnomAD 0.02%). This variant has not been reported in the literature in individuals affected with AP3D1-related conditions. ClinVar contains an entry for this variant (Variation ID: 1412196). An algorithm developed to predict the effect of missense changes on protein structure and function (PolyPhen-2) suggests that this variant is likely to be tolerated. In summary, the available evidence is currently insufficient to determine the role of this variant in disease. Therefore, it has been classified as a Variant of Uncertain Significance.

Ambry Genetics
Classification: Uncertain significance for Inborn genetic diseases. Last evaluated: 2024-11-13. Review status: criteria provided, single submitter. Criteria: Ambry Variant Classification Scheme 2023. Collection method: clinical testing. Allele origin: germline.

PreventionGenetics, part of Exact Sciences
Classification: Uncertain significance for AP3D1-related condition. Last evaluated: 2023-02-13. Review status: criteria provided, single submitter. Criteria: ACMG Guidelines, 2015. Collection method: clinical testing. Allele origin: germline.
Comment: The AP3D1 c.2827A>G variant is predicted to result in the amino acid substitution p.Lys943Glu. To our knowledge, this variant has not been reported in the literature. This variant is reported in 0.023% of alleles in individuals of South Asian descent in gnomAD. At this time, the clinical significance of this variant is uncertain due to the absence of conclusive functional and genetic evidence.